The following is an entry in ClinVar:

NM_001379270.1(CNGA1):c.178G>T (p.Gly60Cys)

Genes: CNGA1 (cyclic nucleotide gated channel subunit alpha 1; minus strand), LOC101927157 (uncharacterized LOC101927157; plus strand). Cytogenetic location: 4p12.
Variant type: single nucleotide variant.
Coding change: c.178G>T on transcript NM_001379270.1 (MANE Select); coding-DNA position 178, G replaced by T.
Protein change: p.Gly60Cys; replaces glycine 60 with cysteine.
Molecular consequence: missense variant.
Genome position (GRCh38, 1-based): chr4:47,951,399, C>A on the plus strand (G>T on the coding strand, the complement: CNGA1 is on the minus strand). VCF-style: chr4-47951399-C-A. GRCh37 (hg19) VCF-style: chr4-47953416-C-A.
Other names: c.178G>T, p.Gly60Cys (NM_000087.5, NM_001142564.2); short protein forms G60C.
Identifiers: ClinVar variation 966595 (VCV000966595.9), dbSNP rs757969694, ClinGen allele CA356835227.

ClinVar aggregate classification (germline): Uncertain significance (1 of 4 stars; one submission).

Submission:

Labcorp Genetics (formerly Invitae), Labcorp
Classification: Uncertain significance. Last evaluated: 2022-06-03. Review status: criteria provided, single submitter. Criteria: Invitae Variant Classification Sherloc (09022015). Collection method: clinical testing. Allele origin: germline.
Comment: ClinVar contains an entry for this variant (Variation ID: 966595). In summary, the available evidence is currently insufficient to determine the role of this variant in disease. Therefore, it has been classified as a Variant of Uncertain Significance. Algorithms developed to predict the effect of sequence changes on RNA splicing suggest that this variant may create or strengthen a splice site. Algorithms developed to predict the effect of missense changes on protein structure and function (SIFT, PolyPhen-2, Align-GVGD) all suggest that this variant is likely to be tolerated. This variant has not been reported in the literature in individuals affected with CNGA1-related conditions. This variant is not present in population databases (gnomAD no frequency). This sequence change replaces glycine, which is neutral and non-polar, with cysteine, which is neutral and slightly polar, at codon 64 of the CNGA1 protein (p.Gly64Cys).